The following is an entry in ClinVar:

NM_006420.3(ARFGEF2):c.695G>A (p.Arg232His)

Gene: ARFGEF2 (ARF guanine nucleotide exchange factor 2; plus strand). Cytogenetic location: 20q13.13.
Variant type: single nucleotide variant.
Coding change: c.695G>A on transcript NM_006420.3 (MANE Select); coding-DNA position 695, G replaced by A.
Protein change: p.Arg232His; replaces arginine 232 with histidine.
Molecular consequence: missense variant.
Genome position (GRCh38, 1-based): chr20:48,953,647, G>A. VCF-style: chr20-48953647-G-A. GRCh37 (hg19) VCF-style: chr20-47570184-G-A.
Other names: short protein forms R232H.
Identifiers: ClinVar variation 338681 (VCV000338681.16), dbSNP rs140989375, ClinGen allele CA9898218.
Genomic context (GRCh38, chr20:48,953,647, plus strand): 5'-TCCAGTCAAAACCCCAGTCCCCTGTGATCCAAGCTGCAGCAGTATCCCCAAAGTTCGTTC[G>A]TTTGAAGCACAGTCAGGCACAAAGCAAACCAACAACTCCCGAAAAAACAGATTTAACCAA-3'
Protein context (NP_006411.2, residues 222-242): QAAAVSPKFV[Arg232His]LKHSQAQSKP

ClinVar aggregate classification (germline): Conflicting classifications of pathogenicity. Review status: criteria provided, conflicting classifications (1 of 4 stars). 5 submissions from 5 submitters: Uncertain significance (4); Likely benign (1). Last evaluated 2024-11-12.

Conditions:
Periventricular heterotopia with microcephaly, autosomal recessive (ARPHM). Also called: PERIVENTRICULAR NODULAR HETEROTOPIA 2; Periventricular heterotopia with microcephaly. Identifiers: Orphanet 2149, MedGen C1842563, MONDO:0011966, OMIM 608097.

Allele frequency attached by ClinVar (database versions not stated): gnomAD exomes 0.00005; ESP Exome Variant Server 0.00008; gnomAD 0.00009; TOPMed 0.00009.
gnomAD v4.1: 84 of 1,613,984 alleles (0.0052%); highest among the groups gnomAD compares: Middle Eastern, 0.016%; no homozygotes.

Submissions (5):

Blueprint Genetics
Classification: Likely benign. Last evaluated: 2024-11-12. Review status: criteria provided, single submitter. Criteria: ACMG Guidelines, 2015. Collection method: clinical testing. Allele origin: germline.

Labcorp Genetics (formerly Invitae), Labcorp
Classification: Uncertain significance. Last evaluated: 2024-04-05. Review status: criteria provided, single submitter. Criteria: Invitae Variant Classification Sherloc (09022015). Collection method: clinical testing. Allele origin: germline.
Comment: This sequence change replaces arginine, which is basic and polar, with histidine, which is basic and polar, at codon 232 of the ARFGEF2 protein (p.Arg232His). This variant is present in population databases (rs140989375, gnomAD 0.01%). This variant has not been reported in the literature in individuals affected with ARFGEF2-related conditions. ClinVar contains an entry for this variant (Variation ID: 338681). Algorithms developed to predict the effect of missense changes on protein structure and function output the following: SIFT: "Not Available"; PolyPhen-2: "Benign"; Align-GVGD: "Not Available". The histidine amino acid residue is found in multiple mammalian species, which suggests that this missense change does not adversely affect protein function. In summary, the available evidence is currently insufficient to determine the role of this variant in disease. Therefore, it has been classified as a Variant of Uncertain Significance.

Victorian Clinical Genetics Services, Murdoch Childrens Research Institute
Classification: Uncertain significance for Periventricular heterotopia with microcephaly, autosomal recessive. Last evaluated: 2020-05-21. Review status: criteria provided, single submitter. Criteria: ACMG Guidelines, 2015. Collection method: clinical testing. Allele origin: germline. Inheritance: Autosomal recessive inheritance.
Comment: A heterozygous missense variant was identified, NM_006420.2(ARFGEF2):c.695G>A in exon 6 of 39of the ARFGEF2 gene. This substitution is predicted to create a minor amino acid change from arginine to histidine at position 232 of the protein, NP_006411.2(ARFGEF2):p.(Arg232His). The arginine at this position has low conservation (100 vertebrates, UCSC), and is not situated in a known functional domain (PDB, NCBI). In silico software predicts this variant to be tolerated (PolyPhen, SIFT, CADD, MutationTaster). The variant is present in the gnomAD population database at a frequency of 0.0072% (18 heterozygotes; 0 homozygotes). Alternative changes to cysteine and leucine at the same residue have also been reported in the gnomAD database at frequencies of 0.018% and 0.0004%, respectively. The variant has previously been reported as a VUS (ClinVar). A different variant in the same codon resulting in a change to cysteine has also been reported as a VUS (Decipher). Based on information available at the time of curation, this variant has been classified as a VARIANT of UNCERTAIN SIGNIFICANCE (VUS) with LOW CLINICAL RELEVANCE.

Illumina Laboratory Services, Illumina
Classification: Uncertain significance for Periventricular heterotopia with microcephaly, autosomal recessive. Last evaluated: 2018-01-12. Review status: criteria provided, single submitter. Criteria: ICSL Variant Classification Criteria 13 December 2019. Collection method: clinical testing. Allele origin: germline.

Genetic Services Laboratory, University of Chicago
Classification: Uncertain significance. Last evaluated: 2015-10-23. Review status: criteria provided, single submitter. Criteria: ACMG Guidelines, 2015. Collection method: clinical testing. Allele origin: germline. Affected: no.